The following is an entry in ClinVar:

ClinVar aggregate classification (germline): Conflicting classifications of pathogenicity. Review status: criteria provided, conflicting classifications (1 of 4 stars). 2 submissions from 2 submitters: Likely pathogenic (1); Uncertain significance (1). Last evaluated 2022-07-13.

Conditions:
Multiple congenital anomalies-hypotonia-seizures syndrome 1 (MCAHS1). Also called: PIGN-CDG; Congenital disorder of glycosylation due to PIGN deficiency; GLYCOSYLPHOSPHATIDYLINOSITOL BIOSYNTHESIS DEFECT 3. Identifiers: Orphanet 280633, MedGen C3279775, MONDO:0013563, OMIM 614080.

Allele frequency attached by ClinVar (database versions not stated): gnomAD exomes below 0.00001.
gnomAD v4.1: 1 of 1,613,902 alleles (0.000062%); highest among the groups gnomAD compares: Non-Finnish European, 0.000085%; no homozygotes.

Submissions (2):

Labcorp Genetics (formerly Invitae), Labcorp
Classification: Uncertain significance for Multiple congenital anomalies-hypotonia-seizures syndrome 1. Last evaluated: 2022-07-13. Review status: criteria provided, single submitter. Criteria: Invitae Variant Classification Sherloc (09022015). Collection method: clinical testing. Allele origin: germline.
Comment: This sequence change replaces leucine, which is neutral and non-polar, with phenylalanine, which is neutral and non-polar, at codon 54 of the PIGN protein (p.Leu54Phe). This variant is not present in population databases (gnomAD no frequency). This variant has not been reported in the literature in individuals affected with PIGN-related conditions. ClinVar contains an entry for this variant (Variation ID: 803506). Algorithms developed to predict the effect of missense changes on protein structure and function are either unavailable or do not agree on the potential impact of this missense change (SIFT: "Not Available"; PolyPhen-2: "Probably Damaging"; Align-GVGD: "Not Available"). In summary, the available evidence is currently insufficient to determine the role of this variant in disease. Therefore, it has been classified as a Variant of Uncertain Significance.

Mendelics
Classification: Likely pathogenic for Multiple congenital anomalies-hypotonia-seizures syndrome 1. Last evaluated: 2019-05-28. Review status: criteria provided, single submitter. Criteria: Mendelics Assertion Criteria 2017. Collection method: clinical testing. Allele origin: unknown.

NM_176787.5(PIGN):c.160C>T (p.Leu54Phe)

Gene: PIGN (phosphatidylinositol glycan anchor biosynthesis class N; minus strand). Cytogenetic location: 18q21.33.
Variant type: single nucleotide variant.
Coding change: c.160C>T on transcript NM_176787.5 (MANE Select); coding-DNA position 160, C replaced by T.
Protein change: p.Leu54Phe; replaces leucine 54 with phenylalanine.
Molecular consequence: missense variant.
Genome position (GRCh38, 1-based): chr18:62,161,194, G>A on the plus strand (C>T on the coding strand, the complement: PIGN is on the minus strand). VCF-style: chr18-62161194-G-A. GRCh37 (hg19) VCF-style: chr18-59828427-G-A.
Other names: c.160C>T, p.Leu54Phe (NM_012327.6); short protein forms L54F.
Identifiers: ClinVar variation 803506 (VCV000803506.3), dbSNP rs1599663316, ClinGen allele CA402604373.
Genomic context (GRCh38, chr18:62,161,194, plus strand): 5'-TAATAAACGGTGCTCTAGAGTTTCCATTTTCATCTAATTCGTAAAGTGCATCTGCTCGAA[G>A]GCCATCAGCAACAAACAACACTAATCTTCTCGCTGGAGGAGGCAATGGTGTAAACTGAGG-3'
Protein context (NP_789744.1, residues 44-64): RRLVLFVADG[Leu54Phe]RADALYELDE